The following is an entry in ClinVar:

ClinVar aggregate classification (germline): Likely benign. Review status: reviewed by expert panel (3 of 4 stars). 7 submissions from 7 submitters: Likely benign (1). 6 of the submissions do not count toward it. Last evaluated 2017-06-29.

Conditions:
BRCA2-related cancer predisposition. Identifiers: MedGen CN377758, MONDO:0700269.
Hereditary cancer-predisposing syndrome. Also called: Tumor predisposition; Hereditary Cancer Syndrome; Hereditary neoplastic syndrome; Neoplastic Syndromes, Hereditary. Identifiers: Orphanet 140162, MedGen C0027672, MeSH D009386, MONDO:0015356.
Hereditary breast ovarian cancer syndrome. Also called: Breast and ovarian cancer; Hereditary breast and ovarian cancer syndrome; Hereditary breast and ovarian cancer; BRCA1- and BRCA2-Associated Hereditary Breast and Ovarian Cancer; Hereditary breast and ovarian cancer syndrome (HBOC); Hereditary breast and/or ovarian cancer syndrome. Identifiers: Orphanet 145, MedGen C0677776, MeSH D061325, MONDO:0003582. Disease mechanism: loss of function.
Breast-ovarian cancer, familial, susceptibility to, 2 (BROVCA2). Also called: BRCA2 Hereditary Breast and Ovarian Cancer. Identifiers: Orphanet 145, MedGen C2675520, MONDO:0012933, OMIM 612555. Disease mechanism: loss of function.

Allele frequency attached by ClinVar (database versions not stated): gnomAD exomes below 0.00001 and 0.00001; TOPMed below 0.00001; ExAC 0.00001; gnomAD 0.00001.
gnomAD v4.1: 3 of 1,612,676 alleles (0.00019%); highest among the groups gnomAD compares: Admixed American, 0.0033%; no homozygotes.

Submissions (7):

Evidence-based Network for the Interpretation of Germline Mutant Alleles (ENIGMA)
Classification: Likely benign for Breast-ovarian cancer, familial, susceptibility to, 2. Last evaluated: 2017-06-29. Review status: reviewed by expert panel. Criteria: ENIGMA BRCA1/2 Classification Criteria (2017-06-29). Collection method: curation. Allele origin: germline.
Comment: Synonymous substitution variant, with low bioinformatic likelihood to result in a splicing aberration (Splicing prior probability 0.02).

Labcorp Genetics (formerly Invitae), Labcorp
Classification: Likely benign for Hereditary breast ovarian cancer syndrome. Last evaluated: 2025-11-10. Review status: criteria provided, single submitter. Criteria: Invitae Variant Classification Sherloc (09022015). Collection method: clinical testing. Allele origin: germline. Not counted in ClinVar's aggregate classification.

All of Us Research Program, National Institutes of Health
Classification: Likely benign for BRCA2-related cancer predisposition. Last evaluated: 2024-03-14. Review status: criteria provided, single submitter. Criteria: ACMG Guidelines, 2015. Collection method: clinical testing. Allele origin: germline. Inheritance: Autosomal dominant inheritance. Observed: 1 variant allele, 1 heterozygote. Not counted in ClinVar's aggregate classification.
Comment: This study involves interpretation of variants in research participants for the purpose of population health screening. Participant phenotype was not available at the time of variant classification. Additional details can be found in publication PMID: 35346344, PMCID: PMC8962531

Women's Health and Genetics/Laboratory Corporation of America, LabCorp
Classification: Likely benign. Last evaluated: 2021-07-07. Review status: criteria provided, single submitter. Criteria: LabCorp Variant Classification Summary - May 2015. Collection method: clinical testing. Allele origin: germline. Not counted in ClinVar's aggregate classification.

GeneDx
Classification: Likely benign. Last evaluated: 2019-11-12. Review status: criteria provided, single submitter. Criteria: GeneDx Variant Classification Process June 2021. Collection method: clinical testing. Allele origin: germline. Affected: yes. Not counted in ClinVar's aggregate classification.

Quest Diagnostics Nichols Institute San Juan Capistrano
Classification: Likely benign. Last evaluated: 2019-11-03. Review status: criteria provided, single submitter. Criteria: Quest Diagnostics criteria. Collection method: clinical testing. Allele origin: unknown. Not counted in ClinVar's aggregate classification.

Ambry Genetics
Classification: Likely benign for Hereditary cancer-predisposing syndrome. Last evaluated: 2015-04-21. Review status: criteria provided, single submitter. Criteria: Ambry Variant Classification Scheme 2023. Collection method: clinical testing. Allele origin: germline. Not counted in ClinVar's aggregate classification.

NM_000059.4(BRCA2):c.4881C>G (p.Leu1627=)

Gene: BRCA2 (BRCA2 DNA repair associated; plus strand). Cytogenetic location: 13q13.1.
Variant type: single nucleotide variant.
Coding change: c.4881C>G on transcript NM_000059.4 (MANE Select); coding-DNA position 4881, C replaced by G.
Protein change: p.Leu1627=; no amino-acid change (leucine 1627 retained).
Molecular consequence: synonymous variant.
Genome position (GRCh38, 1-based): chr13:32,339,236, C>G. VCF-style: chr13-32339236-C-G. GRCh37 (hg19) VCF-style: chr13-32913373-C-G.
Identifiers: ClinVar variation 184284 (VCV000184284.24), dbSNP rs756104738, ClinGen allele CA020944.